The following is an entry in ClinVar:

NM_058246.4(DNAJB6):c.479-194C>G

Gene: DNAJB6 (DnaJ heat shock protein family (Hsp40) member B6; plus strand). Cytogenetic location: 7q36.3.
Variant type: single nucleotide variant.
Coding change: c.479-194C>G on transcript NM_058246.4 (MANE Select); 194 bases into the intron before coding-DNA position 479, C replaced by G.
Molecular consequence: intron variant.
Genome position (GRCh38, 1-based): chr7:157,384,673, C>G. VCF-style: chr7-157384673-C-G. GRCh37 (hg19) VCF-style: chr7-157177367-C-G.
Other names: c.346+17190C>G (NM_001363676.1); c.479-194C>G (NM_005494.3).
Identifiers: ClinVar variation 679292 (VCV000679292.1), dbSNP rs3802084, ClinGen allele CA12527651.
Genomic context (GRCh38, chr7:157,384,673, plus strand): 5'-CTGCATGAGGAGAGGGGGAGGGGAGAGGCTGCACTCTCGCGTTGCCCTAGAGTCCCCACT[C>G]AGGGATCTGAGAGACAGTCTTTCCCCCTGGGCACCCCAGCACTTCAGCTGAGGCCTTGAT-3'

ClinVar aggregate classification (germline): Benign (1 of 4 stars; one submission).

Allele frequency attached by ClinVar (database versions not stated): gnomAD 0.53896 and 0.54260; TOPMed 0.54188; 1000 Genomes Project 30x 0.54950; 1000 Genomes Project 0.55831.
gnomAD v4.1: 82,547 of 151,986 alleles (54%); highest among the groups gnomAD compares: East Asian, 75%; 22,841 homozygotes.

Submission:

GeneDx
Classification: Benign. Last evaluated: 2018-06-14. Review status: criteria provided, single submitter. Criteria: GeneDx Variant Classification (06012015). Collection method: clinical testing. Allele origin: germline. Affected: yes.
Comment: This variant is considered likely benign or benign based on one or more of the following criteria: it is a conservative change, it occurs at a poorly conserved position in the protein, it is predicted to be benign by multiple in silico algorithms, and/or has population frequency not consistent with disease.